The following is an entry in ClinVar:

ClinVar aggregate classification (germline): Conflicting classifications of pathogenicity. Review status: criteria provided, conflicting classifications (1 of 4 stars). 2 submissions from 2 submitters: Uncertain significance (1); Likely benign (1). Last evaluated 2024-10-30.

Conditions:
Colorectal cancer, hereditary nonpolyposis, type 7. Identifiers: Orphanet 144, MedGen C1858380, MONDO:0013725, OMIM 614385.

Allele frequency attached by ClinVar (database versions not stated): TOPMed below 0.00001.

Submissions (2):

Ambry Genetics
Classification: Likely benign. Last evaluated: 2024-10-30. Review status: criteria provided, single submitter. Criteria: Ambry Variant Classification Scheme 2023. Collection method: clinical testing. Allele origin: germline.

Labcorp Genetics (formerly Invitae), Labcorp
Classification: Uncertain significance for Colorectal cancer, hereditary nonpolyposis, type 7. Last evaluated: 2024-04-16. Review status: criteria provided, single submitter. Criteria: Invitae Variant Classification Sherloc (09022015). Collection method: clinical testing. Allele origin: germline.
Comment: This sequence change replaces alanine, which is neutral and non-polar, with threonine, which is neutral and polar, at codon 1076 of the MLH3 protein (p.Ala1076Thr). This variant is not present in population databases (gnomAD no frequency). This variant has not been reported in the literature in individuals affected with MLH3-related conditions. Algorithms developed to predict the effect of missense changes on protein structure and function output the following: SIFT: "Not Available"; PolyPhen-2: "Benign"; Align-GVGD: "Not Available". The threonine amino acid residue is found in multiple mammalian species, which suggests that this missense change does not adversely affect protein function. In summary, the available evidence is currently insufficient to determine the role of this variant in disease. Therefore, it has been classified as a Variant of Uncertain Significance.

NM_001040108.2(MLH3):c.3226G>A (p.Ala1076Thr)

Gene: MLH3 (mutL homolog 3; minus strand). Cytogenetic location: 14q24.3.
Variant type: single nucleotide variant.
Coding change: c.3226G>A on transcript NM_001040108.2 (MANE Select); coding-DNA position 3226, G replaced by A.
Protein change: p.Ala1076Thr; replaces alanine 1076 with threonine.
Molecular consequence: missense variant.
Genome position (GRCh38, 1-based): chr14:75,046,430, C>T on the plus strand (G>A on the coding strand, the complement: MLH3 is on the minus strand). VCF-style: chr14-75046430-C-T. GRCh37 (hg19) VCF-style: chr14-75513133-C-T.
Other names: c.3226G>A, p.Ala1076Thr (NM_014381.3); short protein forms A1076T.
Identifiers: ClinVar variation 2770055 (VCV002770055.4), dbSNP rs1016240480, ClinGen allele CA263647739.